The following is an entry in ClinVar:

ClinVar aggregate classification (germline): Uncertain significance. Review status: criteria provided, multiple submitters, no conflicts (2 of 4 stars). 4 submissions from 4 submitters: Uncertain significance (4). Last evaluated 2024-01-24.

Conditions:
Charcot-Marie-Tooth disease dominant intermediate E. Also called: CHARCOT-MARIE-TOOTH NEUROPATHY WITH FOCAL SEGMENTAL GLOMERULONEPHRITIS. Identifiers: Orphanet 93114, MedGen C4302667, MONDO:0013758, OMIM 614455.
Focal segmental glomerulosclerosis 5 (FSGS5). Identifiers: Orphanet 656, MedGen C2750475, MONDO:0013191, OMIM 613237.
Inborn genetic diseases. Identifiers: MedGen C0950123, MeSH D030342.

Allele frequency attached by ClinVar (database versions not stated): gnomAD exomes below 0.00001 and 0.00001; TOPMed below 0.00001; gnomAD 0.00001; 1000 Genomes Project 30x 0.00016.
gnomAD v4.1: 11 of 1,613,084 alleles (0.00068%); highest among the groups gnomAD compares: Non-Finnish European, 0.00093%; no homozygotes.

Submissions (4):

Fulgent Genetics
Classification: Uncertain significance for Focal segmental glomerulosclerosis 5; Charcot-Marie-Tooth disease dominant intermediate E. Last evaluated: 2024-01-24. Review status: criteria provided, single submitter. Criteria: ACMG Guidelines, 2015. Collection method: clinical testing. Allele origin: germline.

Labcorp Genetics (formerly Invitae), Labcorp
Classification: Uncertain significance for Charcot-Marie-Tooth disease dominant intermediate E; Focal segmental glomerulosclerosis 5. Last evaluated: 2023-12-30. Review status: criteria provided, single submitter. Criteria: Invitae Variant Classification Sherloc (09022015). Collection method: clinical testing. Allele origin: germline.
Comment: This sequence change replaces aspartic acid, which is acidic and polar, with asparagine, which is neutral and polar, at codon 189 of the INF2 protein (p.Asp189Asn). This variant is present in population databases (rs753287786, gnomAD 0.0009%). This variant has not been reported in the literature in individuals affected with INF2-related conditions. ClinVar contains an entry for this variant (Variation ID: 952654). Advanced modeling of protein sequence and biophysical properties (such as structural, functional, and spatial information, amino acid conservation, physicochemical variation, residue mobility, and thermodynamic stability) has been performed at Invitae for this missense variant, however the output from this modeling did not meet the statistical confidence thresholds required to predict the impact of this variant on INF2 protein function. In summary, the available evidence is currently insufficient to determine the role of this variant in disease. Therefore, it has been classified as a Variant of Uncertain Significance.

Ambry Genetics
Classification: Uncertain significance for Inborn genetic diseases. Last evaluated: 2022-06-04. Review status: criteria provided, single submitter. Criteria: Ambry Variant Classification Scheme 2023. Collection method: clinical testing. Allele origin: germline.
Comment: The p.D189N variant (also known as c.565G>A), located in coding exon 3 of the INF2 gene, results from a G to A substitution at nucleotide position 565. The aspartic acid at codon 189 is replaced by asparagine, an amino acid with highly similar properties. This amino acid position is conserved. In addition, this alteration is predicted to be tolerated by in silico analysis. Since supporting evidence is limited at this time, the clinical significance of this alteration remains unclear.

Women's Health and Genetics/Laboratory Corporation of America, LabCorp
Classification: Uncertain significance. Last evaluated: 2020-12-17. Review status: criteria provided, single submitter. Criteria: LabCorp Variant Classification Summary - May 2015. Collection method: clinical testing. Allele origin: germline.
Comment: Variant summary: INF2 c.565G>A (p.Asp189Asn) results in a conservative amino acid change located in the Rho GTPase-binding/formin homology 3 (GBD/FH3) domain (IPR014768) of the encoded protein sequence. Four of five in-silico tools predict a damaging effect of the variant on protein function. The variant allele was found at a frequency of 4e-06 in 249110 control chromosomes (gnomAD). The available data on variant occurrences in the general population are insufficient to allow any conclusion about variant significance. To our knowledge, no occurrence of c.565G>A in individuals affected with Focal Segmental Glomerulosclerosis 5 and no experimental evidence demonstrating its impact on protein function have been reported. A ClinVar submitter (evaluation after 2014) cites the variant as uncertain significance. Based on the evidence outlined above, the variant was classified as uncertain significance.

NM_022489.4(INF2):c.565G>A (p.Asp189Asn)

Gene: INF2 (inverted formin 2; plus strand). Cytogenetic location: 14q32.33.
Variant type: single nucleotide variant.
Coding change: c.565G>A on transcript NM_022489.4 (MANE Select); coding-DNA position 565, G replaced by A.
Protein change: p.Asp189Asn; replaces aspartic acid 189 with asparagine.
Molecular consequence: missense variant.
Genome position (GRCh38, 1-based): chr14:104,703,352, G>A. VCF-style: chr14-104703352-G-A. GRCh37 (hg19) VCF-style: chr14-105169689-G-A.
Other names: c.565G>A, p.Asp189Asn (NM_001031714.4, NM_032714.3); short protein forms D189N.
Identifiers: ClinVar variation 952654 (VCV000952654.14), dbSNP rs753287786, ClinGen allele CA267318861.